The following is an entry in ClinVar:

ClinVar aggregate classification (germline): Conflicting classifications of pathogenicity. Review status: criteria provided, conflicting classifications (1 of 4 stars). 13 submissions from 12 submitters: Pathogenic (5); Likely pathogenic (5); Uncertain significance (1). 2 of the submissions do not count toward it. Last evaluated 2026-09-06.

Conditions:
MUSK-related disorder. Also called: MUSK-related condition; MUSK-related disorders.
Congenital myasthenic syndrome 9. Also called: Myasthenic syndrome, congenital, 9, associated with acetylcholine receptor deficiency. Identifiers: Orphanet 590, MedGen C4225368, MONDO:0014587, OMIM 616325.
Fetal akinesia deformation sequence 1 (FADS1). Also called: Pena-Shokeir syndrome type I; Fetal akinesia sequence. Identifiers: Orphanet 994, MedGen C1276035, MONDO:0100101, OMIM 208150, HP:0001989.

Allele frequency attached by ClinVar (database versions not stated): gnomAD exomes 0.00011 and 0.00023; gnomAD 0.00017 and 0.00018; ExAC 0.00027; TOPMed 0.00033.
gnomAD v4.1: 203 of 1,613,878 alleles (0.013%); highest among the groups gnomAD compares: Admixed American, 0.053%; no homozygotes.

Submissions (13):

GeneDx
Classification: Pathogenic. Last evaluated: 2026-09-06. Review status: criteria provided, single submitter. Criteria: GeneDx Variant Classification Process June 2021. Collection method: clinical testing. Allele origin: germline.
Comment: In silico analysis supports that this missense variant has a deleterious effect on protein structure/function; This variant is associated with the following publications: (PMID: 27588369, 24122059, 31892318, 20371544, 16794080, 25562515, 30429133, 34426522, 15496425, 39833541, 40571342, 25537362, 39891418)

PreventionGenetics, part of Exact Sciences
Classification: Pathogenic for MUSK-related condition. Last evaluated: 2026-08-27. Review status: criteria provided, single submitter. Criteria: ACMG Guidelines, 2015. Collection method: clinical testing. Allele origin: germline.
Comment: The MUSK c.2368G>A variant is predicted to result in the amino acid substitution p.Val790Met. This variant has been reported in several individuals to be pathogenic for autosomal recessive congenital myasthenic syndrome (Chevessier et al. 2004. PubMed ID: 15496425; Okada et al. 2006. PubMed ID: 16794080; Maggi et al. 2013. PubMed ID: 24122059). This variant is reported in 0.042% of alleles in individuals of Latino descent in gnomAD. This variant is interpreted as pathogenic.

Dasa
Classification: Likely pathogenic. Last evaluated: 2026-04-01. Review status: criteria provided, single submitter. Criteria: DASA Assertion Criteria. Collection method: clinical testing. Allele origin: germline.
Comment: NM_005592.4(MUSK):c.2368G>A (p.Val790Met) is a missense variant that results in the substitution of valine with methionine. Segregation data support an association with disease in the reported family/families. This variant has been recurrently observed in individuals with MUSK-related disorders (PMID: 15496425; PMID: 24122059; PMID: 30429133). Functional evidence supports an impact on the gene or gene product (PMID: 15496425; PMID: 24122059; PMID: 30429133). Also, this variant is rare in population databases. Computational evidence supports a deleterious effect. Based on the currently available evidence, this variant is classified as likely pathogenic.

Labcorp Genetics (formerly Invitae), Labcorp
Classification: Pathogenic for Congenital myasthenic syndrome 9; Fetal akinesia deformation sequence 1. Last evaluated: 2026-01-19. Review status: criteria provided, single submitter. Criteria: Invitae Variant Classification Sherloc (09022015). Collection method: clinical testing. Allele origin: germline.
Comment: This sequence change replaces valine, which is neutral and non-polar, with methionine, which is neutral and non-polar, at codon 790 of the MUSK protein (p.Val790Met). This variant is present in population databases (rs199476083, gnomAD 0.04%). This missense change has been observed in individuals with congenital myasthenic syndrome (CMS) (PMID: 15496425, 24122059, 30429133). It has also been observed to segregate with disease in related individuals. ClinVar contains an entry for this variant (Variation ID: 8239). Invitae Evidence Modeling of protein sequence and biophysical properties (such as structural, functional, and spatial information, amino acid conservation, physicochemical variation, residue mobility, and thermodynamic stability) indicates that this missense variant is expected to disrupt MUSK protein function with a positive predictive value of 80%. Experimental studies have shown that this missense change affects MUSK function (PMID: 15496425, 23326516). For these reasons, this variant has been classified as Pathogenic.

Mayo Clinic Laboratories, Mayo Clinic
Classification: Pathogenic. Last evaluated: 2025-02-27. Review status: criteria provided, single submitter. Criteria: ACMG Guidelines, 2015. Collection method: clinical testing. Allele origin: germline. Observed: 2 variant alleles.
Comment: PP3, PM2_supporting, PM3_strong, PS3, PS4_moderate

3billion
Classification: Likely pathogenic for Congenital myasthenic syndrome 9. Last evaluated: 2025-01-10. Review status: criteria provided, single submitter. Criteria: ACMG Guidelines, 2015. Collection method: clinical testing. Allele origin: germline. Affected: yes.
Comment: The variant is observed at an extremely low frequency in the gnomAD v4.1.0 dataset (total allele frequency: 0.013%). Predicted Consequence/Location: Missense variant. The majority of the known disease-causing variants of this gene are variants expected to result in premature termination of the protein. In silico tool predictions suggest damaging effect of the variant on gene or gene product [REVEL: 0.66 (>=0.6, sensitivity 0.68 and specificity 0.92)]. The same nucleotide change resulting in the same amino acid change has been previously reported as pathogenic/likely pathogenic with strong evidence (ClinVar ID: VCV000008239 /PMID: 15496425 /3billion dataset). Therefore, this variant is classified as Likely pathogenic according to the recommendation of ACMG/AMP guideline.

Fulgent Genetics
Classification: Likely pathogenic for Fetal akinesia deformation sequence 1; Congenital myasthenic syndrome 9. Last evaluated: 2024-04-10. Review status: criteria provided, single submitter. Criteria: ACMG Guidelines, 2015. Collection method: clinical testing. Allele origin: germline.

Women's Health and Genetics/Laboratory Corporation of America, LabCorp
Classification: Likely pathogenic for MUSK-Related Disorders. Last evaluated: 2023-12-14. Review status: criteria provided, single submitter. Criteria: LabCorp Variant Classification Summary - May 2015. Collection method: clinical testing. Allele origin: germline.
Comment: Variant summary: MUSK c.2368G>A (p.Val790Met) results in a conservative amino acid change located in the Protein kinase domain (IPR000719) of the encoded protein sequence. Three of five in-silico tools predict a damaging effect of the variant on protein function. The variant allele was found at a frequency of 0.00023 in 249208 control chromosomes. c.2368G>A has been reported in the literature in multiple compound heterozygous individuals affected with congenital myasthenis syndrome (e.g. Chevessier_2004, Maggi_2015, Younas_2018). These data indicate that the variant is likely to be associated with disease. At least one publication reports experimental evidence evaluating an impact on protein function. The most pronounced variant effects were reduced protein levels and stability in vitro, altered agrin-dependent acetylcholine receptor aggregation in vitro, and disassociation of nerve terminals with acetylcholine aggregates in vivo (e.g. Chevessier_2004, BenAmmar_2013). The following publications have been ascertained in the context of this evaluation (PMID: 23326516, 15496425, 24122059, 30429133). Five submitters have cited clinical-significance assessments for this variant to ClinVar after 2014, classifying the variant as pathogenic (n=2), likely pathogenic (n=1), or uncertain significance (n=2). Based on the evidence outlined above, the variant was classified as likely pathogenic.

Revvity Omics, Revvity
Classification: Likely pathogenic. Last evaluated: 2020-02-21. Review status: criteria provided, single submitter. Criteria: ACMG Guidelines, 2015. Collection method: clinical testing. Allele origin: germline.

Eurofins Ntd Llc (ga)
Classification: Uncertain significance. Last evaluated: 2015-07-09. Review status: criteria provided, single submitter. Criteria: EGL Classification Definitions 2015. Collection method: clinical testing. Allele origin: germline. Observed: 1 variant allele, 1 heterozygote.

Baylor Genetics
Classification: Pathogenic for Congenital myasthenic syndrome 9. Review status: criteria provided, single submitter. Criteria: ACMG Guidelines, 2015. Collection method: clinical testing. Allele origin: unknown.

OMIM
Classification: Pathogenic for MYASTHENIC SYNDROME, CONGENITAL, 9, ASSOCIATED WITH ACETYLCHOLINE RECEPTOR DEFICIENCY. Last evaluated: 2004-12-15. Review status: no assertion criteria provided. Collection method: literature only. Allele origin: germline. Not counted in ClinVar's aggregate classification.

Baylor Genetics
Classification: Uncertain significance for Fetal akinesia deformation sequence 1. Last evaluated: 2020-02-07. Review status: flagged submission. Criteria: ACMG Guidelines, 2015. Collection method: clinical testing. Allele origin: unknown. Affected: yes. Not counted in ClinVar's aggregate classification.
Comment: This variant was determined to be of uncertain significance according to ACMG Guidelines, 2015 [PMID:25741868].
ClinVar note: Reason: Outlier claim with insufficient supporting evidence

Literature cited by the submitters: PubMed 15496425 (cited by 6 submitters); PubMed 24122059 (cited by 4 submitters); PubMed 30429133 (cited by 4 submitters); PubMed 23326516 (cited by Labcorp Genetics (formerly Invitae), Labcorp and Women's Health and Genetics/Laboratory Corporation of America, LabCorp); PubMed 16794080 (cited by Mayo Clinic Laboratories, Mayo Clinic); PubMed 18718936 (cited by Mayo Clinic Laboratories, Mayo Clinic); PubMed 23467009 (cited by Mayo Clinic Laboratories, Mayo Clinic); PubMed 29704306 (cited by Mayo Clinic Laboratories, Mayo Clinic); PubMed 37240968 (cited by Mayo Clinic Laboratories, Mayo Clinic); PubMed 38566418 (cited by Mayo Clinic Laboratories, Mayo Clinic).

NM_005592.4(MUSK):c.2368G>A (p.Val790Met)

Gene: MUSK (muscle associated receptor tyrosine kinase; plus strand). Cytogenetic location: 9q31.3.
Variant type: single nucleotide variant.
Coding change: c.2368G>A on transcript NM_005592.4 (MANE Select); coding-DNA position 2368, G replaced by A.
Protein change: p.Val790Met; replaces valine 790 with methionine.
Molecular consequence: missense variant.
Genome position (GRCh38, 1-based): chr9:110,800,746, G>A. VCF-style: chr9-110800746-G-A. GRCh37 (hg19) VCF-style: chr9-113563026-G-A.
Other names: c.2110G>A, p.Val704Met (NM_001166280.2); c.2080G>A, p.Val694Met (NM_001166281.2); c.1108G>A, p.Val370Met (NM_001369398.1); short protein forms V790M, V704M, V370M, V694M.
Identifiers: ClinVar variation 8239 (VCV000008239.36), dbSNP rs199476083, ClinGen allele CA249734.
Genomic context (GRCh38, chr9:110,800,746, plus strand): 5'-CCACCAGAGTCCATTTTTTATAACCGCTACACTACAGAGTCTGATGTGTGGGCCTATGGC[G>A]TGGTCCTCTGGGAGATCTTCTCCTATGGCCTGCAGCCCTACTATGGGATGGCCCATGAGG-3'
Protein context (NP_005583.1, residues 780-800): TTESDVWAYG[Val790Met]VLWEIFSYGL